The following is an entry in ClinVar:

ClinVar aggregate classification (germline): Benign/Likely benign. Review status: criteria provided, multiple submitters, no conflicts (2 of 4 stars). 5 submissions from 4 submitters: Benign (3); Likely benign (2). Last evaluated 2026-08-01.

Conditions:
Hypomagnesemia, seizures, and impaired intellectual development 2. Also called: Hypomagnesemia, seizures, and intellectual disability 2. Identifiers: MedGen C5193023, MONDO:0020788, OMIM 618314.
Charcot-Marie-tooth disease, axonal, type 2DD. Also called: CHARCOT-MARIE-TOOTH NEUROPATHY, TYPE 2DD. Identifiers: Orphanet 521414, MedGen C4747974, MONDO:0054833, OMIM 618036.

Allele frequency attached by ClinVar (database versions not stated): ExAC 0.00052; gnomAD 0.00059 and 0.00060; ESP Exome Variant Server 0.00085; 1000 Genomes Project 30x 0.00031; TOPMed 0.00052; 1000 Genomes Project 0.00040; gnomAD exomes 0.00047 and 0.00056.
gnomAD v4.1: 902 of 1,614,156 alleles (0.056%); highest among the groups gnomAD compares: Non-Finnish European, 0.066%; 2 homozygotes.

Submissions (5):

CeGaT Center for Human Genetics Tuebingen
Classification: Likely benign. Last evaluated: 2026-08-01. Review status: criteria provided, single submitter. Criteria: CeGaT Center For Human Genetics Tuebingen Variant Classification Criteria Version 2. Collection method: clinical testing. Allele origin: germline. Affected: yes. Observed: 13 variant alleles.
Comment: ATP1A1: BP4, BP7

Labcorp Genetics (formerly Invitae), Labcorp
Classification: Benign. Last evaluated: 2026-01-06. Review status: criteria provided, single submitter. Criteria: Invitae Variant Classification Sherloc (09022015). Collection method: clinical testing. Allele origin: germline.

Blueprint Genetics
Classification: Likely benign. Last evaluated: 2024-11-14. Review status: criteria provided, single submitter. Criteria: ACMG Guidelines, 2015. Collection method: clinical testing. Allele origin: germline.

Genome-Nilou Lab
Classification: Benign for Charcot-Marie-tooth disease, axonal, type 2DD. Last evaluated: 2021-12-05. Review status: criteria provided, single submitter. Criteria: ACMG Guidelines, 2015. Collection method: clinical testing. Allele origin: germline. Affected: no.

Genome-Nilou Lab
Classification: Benign for Hypomagnesemia, seizures, and impaired intellectual development 2. Last evaluated: 2021-12-05. Review status: criteria provided, single submitter. Criteria: ACMG Guidelines, 2015. Collection method: clinical testing. Allele origin: germline. Affected: no.

NM_000701.8(ATP1A1):c.2355C>T (p.Pro785=)

Genes: ATP1A1 (ATPase Na+/K+ transporting subunit alpha 1; plus strand), ATP1A1-AS1 (ATP1A1 antisense RNA 1; minus strand). Cytogenetic location: 1p13.1.
Variant type: single nucleotide variant.
Coding change: c.2355C>T on transcript NM_000701.8 (MANE Select); coding-DNA position 2355, C replaced by T.
Protein change: p.Pro785=; no amino-acid change (proline 785 retained).
Molecular consequence: synonymous variant.
Genome position (GRCh38, 1-based): chr1:116,398,991, C>T. VCF-style: chr1-116398991-C-T. GRCh37 (hg19) VCF-style: chr1-116941613-C-T.
Other names: c.2355C>T, p.Pro785= (NM_001160233.2); c.2262C>T, p.Pro754= (NM_001160234.2).
Identifiers: ClinVar variation 872433 (VCV000872433.48), dbSNP rs144039896, ClinGen allele CA1025529.